The following is an entry in ClinVar:

ClinVar aggregate classification (germline): Uncertain significance (1 of 4 stars; one submission).

Submission:

GeneDx
Classification: Uncertain significance. Last evaluated: 2025-06-13. Review status: criteria provided, single submitter. Criteria: GeneDx Variant Classification Process June 2021. Collection method: clinical testing. Allele origin: germline. Affected: yes.
Comment: Not observed at significant frequency in large population cohorts (gnomAD); In silico analysis suggests that this missense variant does not alter protein structure/function; Has not been previously published as pathogenic or benign to our knowledge

NM_021964.3(ZNF148):c.1282G>A (p.Glu428Lys)

Gene: ZNF148 (zinc finger protein 148; minus strand). Cytogenetic location: 3q21.2.
Variant type: single nucleotide variant.
Coding change: c.1282G>A on transcript NM_021964.3 (MANE Select); coding-DNA position 1282, G replaced by A.
Protein change: p.Glu428Lys; replaces glutamic acid 428 with lysine.
Molecular consequence: missense variant.
Genome position (GRCh38, 1-based): chr3:125,233,444, C>T on the plus strand (G>A on the coding strand, the complement: ZNF148 is on the minus strand). VCF-style: chr3-125233444-C-T. GRCh37 (hg19) VCF-style: chr3-124952288-C-T.
Other names: c.1282G>A, p.Glu428Lys (NM_001348424.1, NM_001348425.2, NM_001348426.2 and 7 more transcripts); c.1156G>A, p.Glu386Lys (NM_001348434.2); short protein forms E386K, E428K.
Identifiers: ClinVar variation 4537785 (VCV004537785.1).
Genomic context (GRCh38, chr3:125,233,444, plus strand): 5'-CAACCTGATCAATGTCAGCATTGCCTTCTGAGTCCAGTAAAGCCTGTTTATCCACAAGTT[C>T]AAAAGCATACTTTGAAACTTTGCTCTCTTCATATGTGGATAAAGGTGAAATTGTTTGATT-3'
Protein context (NP_068799.2, residues 418-438): EESKVSKYAF[Glu428Lys]LVDKQALLDS